The following is an entry in ClinVar:

ClinVar aggregate classification (germline): Uncertain significance. Review status: criteria provided, multiple submitters, no conflicts (2 of 4 stars). 2 submissions from 2 submitters: Uncertain significance (2). Last evaluated 2026-06-29.

Conditions:
Cardiovascular phenotype. Identifiers: MedGen CN230736.
Hereditary cancer-predisposing syndrome. Also called: Hereditary Cancer Syndrome; Hereditary neoplastic syndrome; Neoplastic Syndromes, Hereditary; Tumor predisposition. Identifiers: Orphanet 140162, MedGen C0027672, MeSH D009386, MONDO:0015356.

Submissions (2):

Ambry Genetics
Classification: Uncertain significance for Cardiovascular phenotype; Hereditary cancer-predisposing syndrome. Last evaluated: 2026-06-29. Review status: criteria provided, single submitter. Criteria: Ambry Variant Classification Scheme 2023. Collection method: clinical testing. Allele origin: germline.
Comment: The c.2522G>T variant (also known as p.*841Lext*61), located in coding exon 21 of the LZTR1 gene, results from a G to T substitution at nucleotide position 2522. This variant disrupts the stop codon and is predicted to preserve the native sequence while resulting in the elongation of the protein by 61 amino acids. The exact functional effect of the additional amino acids is unknown. Based on the available evidence, the clinical significance of this variant remains unclear.

Labcorp Genetics (formerly Invitae), Labcorp
Classification: Uncertain significance. Last evaluated: 2025-06-11. Review status: criteria provided, single submitter. Criteria: Invitae Variant Classification Sherloc (09022015). Collection method: clinical testing. Allele origin: germline.
Comment: This sequence change disrupts the translational stop signal of the LZTR1 mRNA. It is expected to extend the length of the LZTR1 protein by 61 additional amino acid residues. This variant is not present in population databases (gnomAD no frequency). This variant has not been reported in the literature in individuals affected with LZTR1-related conditions. In summary, the available evidence is currently insufficient to determine the role of this variant in disease. Therefore, it has been classified as a Variant of Uncertain Significance.

NM_006767.4(LZTR1):c.2522G>T (p.Ter841Leu)

Gene: LZTR1 (leucine zipper like post translational regulator 1; plus strand). Cytogenetic location: 22q11.21.
Variant type: single nucleotide variant.
Coding change: c.2522G>T on transcript NM_006767.4 (MANE Select); coding-DNA position 2522, G replaced by T.
Protein change: p.Ter841Leu.
Molecular consequence: stop lost.
Genome position (GRCh38, 1-based): chr22:20,997,347, G>T. VCF-style: chr22-20997347-G-T. GRCh37 (hg19) VCF-style: chr22-21351636-G-T.
Other names: c.2522G>T (NM_006767.3).
Identifiers: ClinVar variation 4770687 (VCV004770687.2).
Genomic context (GRCh38, chr22:20,997,347, plus strand): 5'-TAGACTCCCTGGCCTCCCACATCTCAGACAAGCAGTGCGCAGAGCTGGGCGCCGACATCT[G>T]AGGCCCTGTGGCGCCTGCCCATTGTGAAGAATCGCCGTGCCTGCCTGCCCTGCCTACTGA-3'